The following is an entry in ClinVar:

NM_000632.4(ITGAM):c.2544G>T (p.Glu848Asp)

Gene: ITGAM (integrin subunit alpha M; plus strand). Cytogenetic location: 16p11.2.
Variant type: single nucleotide variant.
Coding change: c.2544G>T on transcript NM_000632.4 (MANE Select); coding-DNA position 2544, G replaced by T.
Protein change: p.Glu848Asp; replaces glutamic acid 848 with aspartic acid.
Molecular consequence: missense variant.
Genome position (GRCh38, 1-based): chr16:31,325,538, G>T. VCF-style: chr16-31325538-G-T. GRCh37 (hg19) VCF-style: chr16-31336859-G-T.
Other names: c.2547G>T, p.Glu849Asp (NM_001145808.2); c.2544G>T (NM_000632.3); short protein forms E849D, E848D.
Identifiers: ClinVar variation 1437331 (VCV001437331.10), dbSNP rs368335626, ClinGen allele CA8025864.

ClinVar aggregate classification (germline): Uncertain significance. Review status: criteria provided, multiple submitters, no conflicts (2 of 4 stars). 2 submissions from 2 submitters: Uncertain significance (2). Last evaluated 2025-02-12.

Allele frequency attached by ClinVar (database versions not stated): gnomAD exomes below 0.00001 and 0.00002; ExAC 0.00002; gnomAD 0.00005; TOPMed 0.00006; ESP Exome Variant Server 0.00016.
gnomAD v4.1: 12 of 1,613,860 alleles (0.00074%); highest among the groups gnomAD compares: African/African-American, 0.016%; no homozygotes.

Submissions (2):

Ambry Genetics
Classification: Uncertain significance. Last evaluated: 2025-02-12. Review status: criteria provided, single submitter. Criteria: Ambry Variant Classification Scheme 2023. Collection method: clinical testing. Allele origin: germline.

Labcorp Genetics (formerly Invitae), Labcorp
Classification: Uncertain significance. Last evaluated: 2024-07-31. Review status: criteria provided, single submitter. Criteria: Invitae Variant Classification Sherloc (09022015). Collection method: clinical testing. Allele origin: germline.
Comment: This sequence change replaces glutamic acid, which is acidic and polar, with aspartic acid, which is acidic and polar, at codon 848 of the ITGAM protein (p.Glu848Asp). This variant is present in population databases (rs368335626, gnomAD 0.03%). This variant has not been reported in the literature in individuals affected with ITGAM-related conditions. ClinVar contains an entry for this variant (Variation ID: 1437331). An algorithm developed to predict the effect of missense changes on protein structure and function outputs the following: PolyPhen-2: "Benign". The aspartic acid amino acid residue is found in multiple mammalian species, which suggests that this missense change does not adversely affect protein function. In summary, the available evidence is currently insufficient to determine the role of this variant in disease. Therefore, it has been classified as a Variant of Uncertain Significance.